The following is an entry in ClinVar:

NM_005591.4(MRE11):c.1612T>G (p.Ser538Ala)

Gene: MRE11 (MRE11 double strand break repair nuclease; minus strand). Cytogenetic location: 11q21.
Variant type: single nucleotide variant.
Coding change: c.1612T>G on transcript NM_005591.4 (MANE Select); coding-DNA position 1612, T replaced by G.
Protein change: p.Ser538Ala; replaces serine 538 with alanine.
Molecular consequence: missense variant.
Genome position (GRCh38, 1-based): chr11:94,447,390, A>C on the plus strand (T>G on the coding strand, the complement: MRE11 is on the minus strand). VCF-style: chr11-94447390-A-C. GRCh37 (hg19) VCF-style: chr11-94180556-A-C.
Other names: c.1612T>G, p.Ser538Ala (NM_001440462.1, NM_001440463.1, NM_001440464.1 and 10 more transcripts); c.1549T>G, p.Ser517Ala (NM_001440467.1, NM_001440468.1, NM_001440481.1 and 2 more transcripts); c.1474T>G, p.Ser492Ala (NM_001440479.1); c.1267T>G, p.Ser423Ala (NM_001440482.1, NM_001440483.1, NM_001440484.1); c.1144T>G, p.Ser382Ala (NM_001440485.1, NM_001440486.1, NM_001440487.1); c.1537T>G, p.Ser513Ala (NM_001440471.1, NM_001440472.1); c.1531T>G, p.Ser511Ala (NM_001440473.1, NM_001440477.1, NM_001440478.1); short protein forms S511A, S538A, S423A, S517A, S382A, S492A, S513A.
Identifiers: ClinVar variation 4842893 (VCV004842893.1).

ClinVar aggregate classification (germline): Uncertain significance (1 of 4 stars; one submission).

Conditions:
Hereditary cancer-predisposing syndrome. Also called: Neoplastic Syndromes, Hereditary; Tumor predisposition; Hereditary Cancer Syndrome; Hereditary neoplastic syndrome. Identifiers: Orphanet 140162, MedGen C0027672, MeSH D009386, MONDO:0015356.

Submission:

Ambry Genetics
Classification: Uncertain significance for Hereditary cancer-predisposing syndrome. Last evaluated: 2025-12-15. Review status: criteria provided, single submitter. Criteria: Ambry Variant Classification Scheme 2023. Collection method: clinical testing. Allele origin: germline.
Comment: The p.S538A variant (also known as c.1612T>G), located in coding exon 14 of the MRE11A gene, results from a T to G substitution at nucleotide position 1612. The serine at codon 538 is replaced by alanine, an amino acid with similar properties. This amino acid position is conserved. In addition, this alteration is predicted to be tolerated by in silico analysis. Based on the available evidence, the clinical significance of this variant remains unclear.